The following is an entry in ClinVar:

ClinVar aggregate classification (germline): Uncertain significance (1 of 4 stars; one submission).

Conditions:
Cardiovascular phenotype. Identifiers: MedGen CN230736.

Allele frequency attached by ClinVar (database versions not stated): gnomAD exomes below 0.00001.
gnomAD v4.1: 2 of 1,613,622 alleles (0.00012%); highest among the groups gnomAD compares: Non-Finnish European, 0.00017%; no homozygotes.

Submission:

Ambry Genetics
Classification: Uncertain significance for Cardiovascular phenotype. Last evaluated: 2020-09-16. Review status: criteria provided, single submitter. Criteria: Ambry Variant Classification Scheme 2023. Collection method: clinical testing. Allele origin: germline.
Comment: The p.A602T variant (also known as c.1804G>A), located in coding exon 16 of the PRDM5 gene, results from a G to A substitution at nucleotide position 1804. The alanine at codon 602 is replaced by threonine, an amino acid with similar properties. This amino acid position is highly conserved in available vertebrate species. In addition, the in silico prediction for this alteration is inconclusive. Since supporting evidence is limited at this time, the clinical significance of this alteration remains unclear.

NM_018699.4(PRDM5):c.1804G>A (p.Ala602Thr)

Gene: PRDM5 (PR/SET domain 5; minus strand). Cytogenetic location: 4q27.
Variant type: single nucleotide variant.
Coding change: c.1804G>A on transcript NM_018699.4 (MANE Select); coding-DNA position 1804, G replaced by A.
Protein change: p.Ala602Thr; replaces alanine 602 with threonine.
Molecular consequence: missense variant. On other transcripts: 3 prime UTR variant (1).
Genome position (GRCh38, 1-based): chr4:120,695,200, C>T on the plus strand (G>A on the coding strand, the complement: PRDM5 is on the minus strand). VCF-style: chr4-120695200-C-T. GRCh37 (hg19) VCF-style: chr4-121616355-C-T.
Other names: c.1711G>A, p.Ala571Thr (NM_001300823.2); c.*119G>A (NM_001300824.2); c.1837G>A, p.Ala613Thr (NM_001379104.1); c.1606G>A, p.Ala536Thr (NM_001379106.1); short protein forms A602T, A536T, A613T, A571T.
Identifiers: ClinVar variation 1780456 (VCV001780456.2), dbSNP rs1159152264, ClinGen allele CA358206503.